The following is an entry in ClinVar:

NM_001177316.2(SLC34A3):c.202C>T (p.Arg68Cys)

Gene: SLC34A3 (solute carrier family 34 member 3; plus strand). Cytogenetic location: 9q34.3.
Variant type: single nucleotide variant.
Coding change: c.202C>T on transcript NM_001177316.2 (MANE Select); coding-DNA position 202, C replaced by T.
Protein change: p.Arg68Cys; replaces arginine 68 with cysteine.
Molecular consequence: missense variant.
Genome position (GRCh38, 1-based): chr9:137,232,601, C>T. VCF-style: chr9-137232601-C-T. GRCh37 (hg19) VCF-style: chr9-140127053-C-T.
Other names: c.202C>T, p.Arg68Cys (NM_001177317.2, NM_080877.3); c.202C>T (NM_080877.2); short protein forms R68C.
Identifiers: ClinVar variation 1378083 (VCV001378083.6), dbSNP rs774035480, ClinGen allele CA5364274.
Genomic context (GRCh38, chr9:137,232,601, plus strand): 5'-GGCCAGCCAGGGACAGCCTGCCCTGTGTCCTCAGAGCTCCGCGTGGCCGGCAGGCTGCGC[C>T]GCGTGGCCGGCAGCGTCCTCAAGGCCTGCGGGCTCCTCGGCAGCCTGTACTTCTTCATCT-3'
Protein context (NP_001170787.2, residues 58-78): KELRVAGRLR[Arg68Cys]VAGSVLKACG

ClinVar aggregate classification (germline): Uncertain significance. Review status: criteria provided, multiple submitters, no conflicts (2 of 4 stars). 3 submissions from 3 submitters: Uncertain significance (3). Last evaluated 2024-05-28.

Conditions:
Inborn genetic diseases. Identifiers: MedGen C0950123, MeSH D030342.
Autosomal recessive hypophosphatemic bone disease (HHRH). Also called: HYPERCALCIURIC RICKETS; Hypophosphatemic rickets with hypercalciuria. Identifiers: Orphanet 157215, MedGen C1853271, MONDO:0009431, OMIM 241530.

Allele frequency attached by ClinVar (database versions not stated): ExAC 0.00003.

Submissions (3):

Ambry Genetics
Classification: Uncertain significance for Inborn genetic diseases. Last evaluated: 2024-05-28. Review status: criteria provided, single submitter. Criteria: Ambry Variant Classification Scheme 2023. Collection method: clinical testing. Allele origin: germline.

Fulgent Genetics
Classification: Uncertain significance for Autosomal recessive hypophosphatemic bone disease. Last evaluated: 2024-02-07. Review status: criteria provided, single submitter. Criteria: ACMG Guidelines, 2015. Collection method: clinical testing. Allele origin: germline.

Labcorp Genetics (formerly Invitae), Labcorp
Classification: Uncertain significance. Last evaluated: 2022-01-26. Review status: criteria provided, single submitter. Criteria: Invitae Variant Classification Sherloc (09022015). Collection method: clinical testing. Allele origin: germline.
Comment: In summary, the available evidence is currently insufficient to determine the role of this variant in disease. Therefore, it has been classified as a Variant of Uncertain Significance. Algorithms developed to predict the effect of missense changes on protein structure and function (SIFT, PolyPhen-2, Align-GVGD) all suggest that this variant is likely to be tolerated. This variant has not been reported in the literature in individuals affected with SLC34A3-related conditions. This variant is present in population databases (rs774035480, gnomAD 0.01%). This sequence change replaces arginine, which is basic and polar, with cysteine, which is neutral and slightly polar, at codon 68 of the SLC34A3 protein (p.Arg68Cys).